The following is an entry in ClinVar:

NM_005859.5(PURA):c.146G>T (p.Gly49Val)

Gene: PURA (purine rich element binding protein A; plus strand). Cytogenetic location: 5q31.3.
Variant type: single nucleotide variant.
Coding change: c.146G>T on transcript NM_005859.5 (MANE Select); coding-DNA position 146, G replaced by T.
Protein change: p.Gly49Val; replaces glycine 49 with valine.
Molecular consequence: missense variant.
Genome position (GRCh38, 1-based): chr5:140,114,327, G>T. VCF-style: chr5-140114327-G-T. GRCh37 (hg19) VCF-style: chr5-139493912-G-T.
Other names: short protein forms G49V.
Identifiers: ClinVar variation 663335 (VCV000663335.13), dbSNP rs773489265, ClinGen allele CA3437422.

ClinVar aggregate classification (germline): Conflicting classifications of pathogenicity. Review status: criteria provided, conflicting classifications (1 of 4 stars). 3 submissions from 3 submitters: Uncertain significance (1); Likely benign (2). Last evaluated 2025-12-15.

Conditions:
Inborn genetic diseases. Identifiers: MedGen C0950123, MeSH D030342.
PURA-related severe neonatal hypotonia-seizures-encephalopathy syndrome (NEDRIHF). Also called: NEURODEVELOPMENTAL DISORDER WITH NEONATAL RESPIRATORY INSUFFICIENCY, HYPOTONIA, AND FEEDING DIFFICULTIES; PURA-Related Neurodevelopmental Disorders. Identifiers: Orphanet 438213, Orphanet 438216, MedGen C4015357, MONDO:1060108, OMIM 616158, MONDO:0018580.

Allele frequency attached by ClinVar (database versions not stated): gnomAD exomes 0.00001; TOPMed 0.00004; gnomAD 0.00005 and 0.00006; ExAC 0.00007.
gnomAD v4.1: 16 of 1,362,140 alleles (0.0012%); highest among the groups gnomAD compares: African/African-American, 0.015%; no homozygotes.

Submissions (3):

Labcorp Genetics (formerly Invitae), Labcorp
Classification: Likely benign for PURA-related severe neonatal hypotonia-seizures-encephalopathy syndrome. Last evaluated: 2025-12-15. Review status: criteria provided, single submitter. Criteria: Invitae Variant Classification Sherloc (09022015). Collection method: clinical testing. Allele origin: germline.

Ambry Genetics
Classification: Likely benign for Inborn genetic diseases. Last evaluated: 2021-07-26. Review status: criteria provided, single submitter. Criteria: Ambry Variant Classification Scheme 2023. Collection method: clinical testing. Allele origin: germline.

GeneDx
Classification: Uncertain significance. Last evaluated: 2019-05-14. Review status: criteria provided, single submitter. Criteria: GeneDx Variant Classification Process June 2021. Collection method: clinical testing. Allele origin: germline. Affected: yes.
Comment: Not observed in large population cohorts (Lek et al., 2016); In silico analysis, which includes protein predictors and evolutionary conservation, supports that this variant does not alter protein structure/function; Has not been previously published as pathogenic or benign to our knowledge